The following is an entry in ClinVar:

NM_153704.6(TMEM67):c.157C>A (p.Gln53Lys)

Gene: TMEM67 (transmembrane protein 67; plus strand). Cytogenetic location: 8q22.1.
Variant type: single nucleotide variant.
Coding change: c.157C>A on transcript NM_153704.6 (MANE Select); coding-DNA position 157, C replaced by A.
Protein change: p.Gln53Lys; replaces glutamine 53 with lysine.
Molecular consequence: missense variant. On other transcripts: 5 prime UTR variant (1), non-coding transcript variant (1).
Genome position (GRCh38, 1-based): chr8:93,755,071, C>A. VCF-style: chr8-93755071-C-A. GRCh37 (hg19) VCF-style: chr8-94767299-C-A.
Other names: c.-128C>A (NM_001142301.1); short protein forms Q53K.
Identifiers: ClinVar variation 4996719 (VCV004996719.1).
Genomic context (GRCh38, chr8:93,755,071, plus strand): 5'-TTCTTACAGGCCCAGACCTTCTCTTTCCCTTTCCAGCAGCCGGAGAAGTGCGACAACAAC[C>A]AGTACTTTGATATCTCCGCCCTCTCGTGTGTTCCTTGTGGAGCTAACCAGAGGCAAGATG-3'
Protein context (NP_714915.3, residues 43-63): FQQPEKCDNN[Gln53Lys]YFDISALSCV

ClinVar aggregate classification (germline): Uncertain significance (1 of 4 stars; one submission).

Conditions:
TMEM67-related disorder. Also called: TMEM67-related disorders; TMEM67-related condition. Identifiers: MedGen CN239423.

gnomAD v4.1: 2 of 1,614,178 alleles (0.00012%); highest among the groups gnomAD compares: Non-Finnish European, 0.00017%; no homozygotes.

Submission:

PreventionGenetics, part of Exact Sciences
Classification: Uncertain significance for TMEM67-related condition. Last evaluated: 2025-03-04. Review status: criteria provided, single submitter. Criteria: ACMG Guidelines, 2015. Collection method: clinical testing. Allele origin: germline.
Comment: The TMEM67 c.157C>A variant is predicted to result in the amino acid substitution p.Gln53Lys. To our knowledge, this variant has not been reported in the literature or in a large population database (gnomAD), indicating this variant is rare. At this time, the clinical significance of this variant is uncertain due to the absence of conclusive functional and genetic evidence.